The following is an entry in ClinVar:

NM_001298.3(CNGA3):c.308G>T (p.Arg103Leu)

Gene: CNGA3 (cyclic nucleotide gated channel subunit alpha 3; plus strand). Cytogenetic location: 2q11.2.
Variant type: single nucleotide variant.
Coding change: c.308G>T on transcript NM_001298.3 (MANE Select); coding-DNA position 308, G replaced by T.
Protein change: p.Arg103Leu; replaces arginine 103 with leucine.
Molecular consequence: missense variant.
Genome position (GRCh38, 1-based): chr2:98,380,267, G>T. VCF-style: chr2-98380267-G-T. GRCh37 (hg19) VCF-style: chr2-98996730-G-T.
Other names: c.308G>T, p.Arg103Leu (NM_001079878.2); short protein forms R103L.
Identifiers: ClinVar variation 2013533 (VCV002013533.4), dbSNP rs549529161, ClinGen allele CA347831081.

ClinVar aggregate classification (germline): Uncertain significance (1 of 4 stars; one submission).

gnomAD v4.1: 4 of 1,614,200 alleles (0.00025%); highest among the groups gnomAD compares: Non-Finnish European, 0.00034%; no homozygotes.

Submission:

Labcorp Genetics (formerly Invitae), Labcorp
Classification: Uncertain significance. Last evaluated: 2022-12-22. Review status: criteria provided, single submitter. Criteria: Invitae Variant Classification Sherloc (09022015). Collection method: clinical testing. Allele origin: germline.
Comment: This variant is present in population databases (no rsID available, gnomAD 0.0009%). This sequence change replaces arginine, which is basic and polar, with leucine, which is neutral and non-polar, at codon 103 of the CNGA3 protein (p.Arg103Leu). This variant has not been reported in the literature in individuals affected with CNGA3-related conditions. In summary, the available evidence is currently insufficient to determine the role of this variant in disease. Therefore, it has been classified as a Variant of Uncertain Significance. Advanced modeling of protein sequence and biophysical properties (such as structural, functional, and spatial information, amino acid conservation, physicochemical variation, residue mobility, and thermodynamic stability) performed at Invitae indicates that this missense variant is not expected to disrupt CNGA3 protein function.